The following is an entry in ClinVar:

NM_007347.5(AP4E1):c.2863A>G (p.Lys955Glu)

Gene: AP4E1 (adaptor related protein complex 4 subunit epsilon 1; plus strand). Cytogenetic location: 15q21.2.
Variant type: single nucleotide variant.
Coding change: c.2863A>G on transcript NM_007347.5 (MANE Select); coding-DNA position 2863, A replaced by G.
Protein change: p.Lys955Glu; replaces lysine 955 with glutamic acid.
Molecular consequence: missense variant.
Genome position (GRCh38, 1-based): chr15:50,997,842, A>G. VCF-style: chr15-50997842-A-G. GRCh37 (hg19) VCF-style: chr15-51290039-A-G.
Other names: c.2638A>G, p.Lys880Glu (NM_001252127.2); short protein forms K880E, K955E.
Identifiers: ClinVar variation 1513498 (VCV001513498.8), dbSNP rs2140935285, ClinGen allele CA392420910.
Genomic context (GRCh38, chr15:50,997,842, plus strand): 5'-TGGAAAGATGATTGTTTATTGATGGTCTGGTCAGTCACTAATAAGAGTGGTTTGGAATTG[A>G]AAAGTGCTGACTTAGAAATTTTTCCTGCAGAAAATTTCAAGGTAAAATTTAAAGGTATTA-3'
Protein context (NP_031373.2, residues 945-965): SVTNKSGLEL[Lys955Glu]SADLEIFPAE

ClinVar aggregate classification (germline): Uncertain significance (1 of 4 stars; one submission).

Conditions:
Spastic paraplegia. Identifiers: MedGen C0037772, HP:0001258.

Allele frequency attached by ClinVar (database versions not stated): gnomAD exomes below 0.00001.
gnomAD v4.1: 3 of 1,599,226 alleles (0.00019%); highest among the groups gnomAD compares: Admixed American, 0.0034%; no homozygotes.

Submission:

Labcorp Genetics (formerly Invitae), Labcorp
Classification: Uncertain significance for Spastic paraplegia. Last evaluated: 2025-11-03. Review status: criteria provided, single submitter. Criteria: Invitae Variant Classification Sherloc (09022015). Collection method: clinical testing. Allele origin: germline.
Comment: This sequence change replaces lysine, which is basic and polar, with glutamic acid, which is acidic and polar, at codon 955 of the AP4E1 protein (p.Lys955Glu). This variant is not present in population databases (gnomAD no frequency). This variant has not been reported in the literature in individuals affected with AP4E1-related conditions. ClinVar contains an entry for this variant (Variation ID: 1513498). An algorithm developed to predict the effect of missense changes on protein structure and function outputs the following: PolyPhen-2: "Benign". The glutamic acid amino acid residue is found in multiple mammalian species, which suggests that this missense change does not adversely affect protein function. In summary, the available evidence is currently insufficient to determine the role of this variant in disease. Therefore, it has been classified as a Variant of Uncertain Significance.